The following is an entry in ClinVar:

NM_001085487.3(MYSM1):c.1468C>A (p.Gln490Lys)

Gene: MYSM1 (Myb like, SWIRM and MPN domains 1; minus strand). Cytogenetic location: 1p32.1.
Variant type: single nucleotide variant.
Coding change: c.1468C>A on transcript NM_001085487.3 (MANE Select); coding-DNA position 1468, C replaced by A.
Protein change: p.Gln490Lys; replaces glutamine 490 with lysine.
Molecular consequence: missense variant.
Genome position (GRCh38, 1-based): chr1:58,675,503, G>T on the plus strand (C>A on the coding strand, the complement: MYSM1 is on the minus strand). VCF-style: chr1-58675503-G-T. GRCh37 (hg19) VCF-style: chr1-59141175-G-T.
Other names: c.1468C>A (NM_001085487.2); short protein forms Q490K.
Identifiers: ClinVar variation 1943010 (VCV001943010.6), dbSNP rs779502244, ClinGen allele CA877811.

ClinVar aggregate classification (germline): Uncertain significance. Review status: criteria provided, multiple submitters, no conflicts (2 of 4 stars). 2 submissions from 2 submitters: Uncertain significance (2). Last evaluated 2025-10-07.

Conditions:
Inborn genetic diseases. Identifiers: MedGen C0950123, MeSH D030342.

Allele frequency attached by ClinVar (database versions not stated): TOPMed below 0.00001; ExAC 0.00003.
gnomAD v4.1: 5 of 1,612,460 alleles (0.00031%); highest among the groups gnomAD compares: Non-Finnish European, 0.00042%; no homozygotes.

Submissions (2):

Ambry Genetics
Classification: Uncertain significance for Inborn genetic diseases. Last evaluated: 2025-10-07. Review status: criteria provided, single submitter. Criteria: Ambry Variant Classification Scheme 2023. Collection method: clinical testing. Allele origin: germline.

Labcorp Genetics (formerly Invitae), Labcorp
Classification: Uncertain significance. Last evaluated: 2022-06-30. Review status: criteria provided, single submitter. Criteria: Invitae Variant Classification Sherloc (09022015). Collection method: clinical testing. Allele origin: germline.
Comment: In summary, the available evidence is currently insufficient to determine the role of this variant in disease. Therefore, it has been classified as a Variant of Uncertain Significance. Algorithms developed to predict the effect of missense changes on protein structure and function (SIFT, PolyPhen-2, Align-GVGD) all suggest that this variant is likely to be tolerated. This variant has not been reported in the literature in individuals affected with MYSM1-related conditions. This variant is present in population databases (rs779502244, gnomAD 0.004%). This sequence change replaces glutamine, which is neutral and polar, with lysine, which is basic and polar, at codon 490 of the MYSM1 protein (p.Gln490Lys).